The following is an entry in ClinVar:

ClinVar aggregate classification (germline): Uncertain significance (1 of 4 stars; one submission).

Conditions:
Baller-Gerold syndrome (BGS). Also called: CRANIOSYNOSTOSIS WITH RADIAL DEFECTS. Identifiers: Orphanet 1225, MedGen C0265308, MONDO:0009039, OMIM 218600.

Submission:

Labcorp Genetics (formerly Invitae), Labcorp
Classification: Uncertain significance for Baller-Gerold syndrome. Last evaluated: 2019-12-26. Review status: criteria provided, single submitter. Criteria: Invitae Variant Classification Sherloc (09022015). Collection method: clinical testing. Allele origin: germline.
Comment: This sequence change replaces glutamic acid with aspartic acid at codon 1153 of the RECQL4 protein (p.Glu1153Asp). The glutamic acid residue is moderate conserved and there is a small physicochemical difference between glutamic acid and aspartic acid. This variant is not present in population databases (ExAC no frequency). This variant has not been reported in the literature in individuals with RECQL4-related conditions. Algorithms developed to predict the effect of missense changes on protein structure and function are either unavailable or do not agree on the potential impact of this missense change (SIFT: "Tolerated"; PolyPhen-2: "Not Available"; Align-GVGD: "Class C0"). In summary, the available evidence is currently insufficient to determine the role of this variant in disease. Therefore, it has been classified as a Variant of Uncertain Significance.

NM_004260.4(RECQL4):c.3459G>C (p.Glu1153Asp)

Gene: RECQL4 (RecQ like helicase 4; minus strand). Cytogenetic location: 8q24.3.
Variant type: single nucleotide variant.
Coding change: c.3459G>C on transcript NM_004260.4 (MANE Select); coding-DNA position 3459, G replaced by C.
Protein change: p.Glu1153Asp; replaces glutamic acid 1153 with aspartic acid.
Molecular consequence: missense variant.
Genome position (GRCh38, 1-based): chr8:144,511,724, C>G on the plus strand (G>C on the coding strand, the complement: RECQL4 is on the minus strand). VCF-style: chr8-144511724-C-G. GRCh37 (hg19) VCF-style: chr8-145737107-C-G.
Other names: short protein forms E1153D.
Identifiers: ClinVar variation 849095 (VCV000849095.5), dbSNP rs1827242769, ClinGen allele CA372666947.
Genomic context (GRCh38, chr8:144,511,724, plus strand): 5'-GGCCTCCCAGGCCTCACCGATGCCGTGGAAGATGCGGGCCACAGCCCTGCTGGAGAACTT[C>G]TCCTCTGGCCTCAGGGACAGGAACTGGCGGATGTCGCAGCGGACCTGGTCCTCCCAATCC-3'
Protein context (NP_004251.4, residues 1143-1163): IRQFLSLRPE[Glu1153Asp]KFSSRAVARI